The following is an entry in ClinVar:

ClinVar aggregate classification (germline): Likely benign (0 of 4 stars; one submission).

Conditions:
DCDC5-related condition.

gnomAD v4.1: 6,249 of 1,612,308 alleles (0.39%); highest among the groups gnomAD compares: Non-Finnish European, 0.47%; 20 homozygotes.

Submissions (3):

PreventionGenetics, part of Exact Sciences
Classification: Likely benign for DCDC5-related condition. Last evaluated: 2022-07-28. Review status: no assertion criteria provided. Collection method: clinical testing. Allele origin: germline.
Comment: This variant is classified as likely benign based on ACMG/AMP sequence variant interpretation guidelines (Richards et al. 2015 PMID: 25741868, with internal and published modifications).

Dr. Peter K. Rogan Lab, Western University
No classification provided (evidence only). Condition: Clear cell carcinoma of kidney. Review status: no classification provided. Collection method: in vitro. Allele origin: not applicable. Functional consequence: retained intron. Not counted in ClinVar's aggregate classification.

Dr. Peter K. Rogan Lab, Western University
No classification provided (evidence only). Condition: Nonpapillary renal cell carcinoma. Review status: no classification provided. Collection method: in vitro. Allele origin: not applicable. Functional consequence: retained intron. Not counted in ClinVar's aggregate classification.

NM_001387274.1(DCDC1):c.2867G>T (p.Gly956Val)

Gene: DCDC1 (doublecortin domain containing 1; minus strand). Cytogenetic location: 11p14.1.
Variant type: single nucleotide variant.
Coding change: c.2867G>T on transcript NM_001387274.1 (MANE Select); coding-DNA position 2867, G replaced by T.
Protein change: p.Gly956Val; replaces glycine 956 with valine.
Molecular consequence: missense variant. On other transcripts: 5 prime UTR variant (1).
Genome position (GRCh38, 1-based): chr11:30,931,801, C>A on the plus strand (G>T on the coding strand, the complement: DCDC1 is on the minus strand). VCF-style: chr11-30931801-C-A. GRCh37 (hg19) VCF-style: chr11-30953348-C-A.
Other names: NC_000011.9:g.30953348C>A; c.2867G>T, p.Gly956Val (NM_001367979.1); c.-435G>T (NM_001387275.1); c.188G>T, p.Gly63Val (NM_020869.4); short protein forms G956V, G63V.
Identifiers: ClinVar variation 3352248 (VCV003352248.2).